The following is an entry in ClinVar:

ClinVar aggregate classification (germline): Pathogenic (1 of 4 stars; one submission).

Submission:

Labcorp Genetics (formerly Invitae), Labcorp
Classification: Pathogenic. Last evaluated: 2025-03-17. Review status: criteria provided, single submitter. Criteria: Invitae Variant Classification Sherloc (09022015). Collection method: clinical testing. Allele origin: germline.
Comment: This sequence change creates a premature translational stop signal (p.Leu22*) in the RS1 gene. It is expected to result in an absent or disrupted protein product. Loss-of-function variants in RS1 are known to be pathogenic (PMID: 9618178, 17172462). This variant is not present in population databases (gnomAD no frequency). This variant has not been reported in the literature in individuals affected with RS1-related conditions. ClinVar contains an entry for this variant (Variation ID: 2709070). For these reasons, this variant has been classified as Pathogenic.

Literature cited by the submitters: PubMed 9618178; PubMed 17172462.

NM_000330.4(RS1):c.65T>G (p.Leu22Ter)

Gene: RS1 (retinoschisin 1; minus strand). Cytogenetic location: Xp22.13.
Variant type: single nucleotide variant.
Coding change: c.65T>G on transcript NM_000330.4 (MANE Select); coding-DNA position 65, T replaced by G.
Protein change: p.Leu22Ter; replaces leucine 22 with a stop codon.
Molecular consequence: nonsense.
Genome position (GRCh38, 1-based): chrX:18,657,653, A>C on the plus strand (T>G on the coding strand, the complement: RS1 is on the minus strand). VCF-style: chrX-18657653-A-C. GRCh37 (hg19) VCF-style: chrX-18675773-A-C.
Other names: short protein forms L22*.
Identifiers: ClinVar variation 2709070 (VCV002709070.3), dbSNP rs2518938588, ClinGen allele CA412376864.